The following is an entry in ClinVar:

ClinVar aggregate classification (germline): Conflicting classifications of pathogenicity. Review status: criteria provided, conflicting classifications (1 of 4 stars). 16 submissions from 15 submitters: Uncertain significance (1); Benign (1); Likely benign (12). 2 of the submissions do not count toward it. Last evaluated 2026-03-01.

Conditions:
Cardiovascular phenotype. Identifiers: MedGen CN230736.
MYBPC3-related disorder. Also called: MYBPC3-related disorders; MYBPC3-related condition; MYBPC3-related disease.
Left ventricular noncompaction 10 (LVNC10). Identifiers: Orphanet 154, Orphanet 54260, MedGen C3715165, MONDO:0014163, OMIM 615396.
Cardiomyopathy (CMYO). Also called: Cardiomyopathies. Identifiers: Orphanet 167848, MedGen C0878544, MONDO:0004994, HP:0001638. Inheritance: Various modes of inheritance.
Hypertrophic cardiomyopathy 4. Also called: Familial hypertrophic cardiomyopathy 4. Identifiers: MedGen C1861862, MONDO:0007268, OMIM 115197.
Hypertrophic cardiomyopathy. Also called: HYPERTROPHIC MYOCARDIOPATHY. Identifiers: Orphanet 217569, MedGen C0007194, MeSH D002312, MONDO:0005045, HP:0001639.

Allele frequency attached by ClinVar (database versions not stated): gnomAD 0.00011 and 0.00012; gnomAD exomes 0.00014; TOPMed 0.00015; ExAC 0.00021; ESP Exome Variant Server 0.00032.
gnomAD v4.1: 217 of 1,608,634 alleles (0.013%); highest among the groups gnomAD compares: Non-Finnish European, 0.016%; 1 homozygote.

Submissions (16):

CeGaT Center for Human Genetics Tuebingen
Classification: Likely benign. Last evaluated: 2026-03-01. Review status: criteria provided, single submitter. Criteria: CeGaT Center For Human Genetics Tuebingen Variant Classification Criteria Version 2. Collection method: clinical testing. Allele origin: germline. Affected: yes. Observed: 1 variant allele.
Comment: MYBPC3: BP4, BP7

Labcorp Genetics (formerly Invitae), Labcorp
Classification: Likely benign for Hypertrophic cardiomyopathy. Last evaluated: 2025-12-21. Review status: criteria provided, single submitter. Criteria: Invitae Variant Classification Sherloc (09022015). Collection method: clinical testing. Allele origin: germline.

Mayo Clinic Laboratories, Mayo Clinic
Classification: Likely benign. Last evaluated: 2025-09-21. Review status: criteria provided, single submitter. Criteria: ACMG Guidelines, 2015. Collection method: clinical testing. Allele origin: germline. Observed: 1 variant allele.
Comment: BP4, BP7

Molecular Diagnostic Laboratory for Inherited Cardiovascular Disease, Montreal Heart Institute
Classification: Likely benign. Last evaluated: 2025-04-09. Review status: criteria provided, single submitter. Criteria: ACMG Guidelines, 2015. Collection method: clinical testing. Allele origin: germline. Affected: no.

PreventionGenetics, part of Exact Sciences
Classification: Likely benign for MYBPC3-related condition. Last evaluated: 2024-12-12. Review status: criteria provided, single submitter. Criteria: ACMG Guidelines, 2015. Collection method: clinical testing. Allele origin: germline.
Comment: This variant is classified as likely benign based on ACMG/AMP sequence variant interpretation guidelines (Richards et al. 2015 PMID: 25741868, with internal and published modifications).

Blueprint Genetics
Classification: Likely benign. Last evaluated: 2024-11-22. Review status: criteria provided, single submitter. Criteria: ACMG Guidelines, 2015. Collection method: clinical testing. Allele origin: germline.

All of Us Research Program, National Institutes of Health
Classification: Likely benign for Hypertrophic cardiomyopathy. Last evaluated: 2023-12-01. Review status: criteria provided, single submitter. Criteria: ACMG Guidelines, 2015. Collection method: clinical testing. Allele origin: germline. Inheritance: Autosomal dominant inheritance. Observed: 27 variant alleles, 27 heterozygotes.
Comment: This study involves interpretation of variants in research participants for the purpose of population health screening. Participant phenotype was not available at the time of variant classification. Additional details can be found in publication PMID: 35346344, PMCID: PMC8962531

CHEO Genetics Diagnostic Laboratory, Children's Hospital of Eastern Ontario
Classification: Likely benign for Cardiomyopathy. Last evaluated: 2022-07-04. Review status: criteria provided, single submitter. Criteria: ACMG Guidelines, 2015. Collection method: clinical testing. Allele origin: germline.

Color Diagnostics, LLC DBA Color Health
Classification: Likely benign for Cardiomyopathy. Last evaluated: 2018-11-03. Review status: criteria provided, single submitter. Criteria: ACMG Guidelines, 2015. Collection method: clinical testing. Allele origin: germline.

Ambry Genetics
Classification: Likely benign for Cardiovascular phenotype. Last evaluated: 2017-08-31. Review status: criteria provided, single submitter. Criteria: Ambry Variant Classification Scheme 2023. Collection method: clinical testing. Allele origin: germline.

Clinical Genetics DNA and cytogenetics Diagnostics Lab, Erasmus MC, Erasmus Medical Center
Classification: Likely benign for Hypertrophic cardiomyopathy 4. Last evaluated: 2017-06-28. Review status: criteria provided, single submitter. Criteria: ACGS Guidelines, 2013. Collection method: clinical testing. Allele origin: germline. Affected: yes. Study: VKGL Data-share Consensus.

Illumina Laboratory Services, Illumina
Classification: Uncertain significance for Hypertrophic cardiomyopathy 4. Last evaluated: 2017-04-27. Review status: criteria provided, single submitter. Criteria: ICSL Variant Classification Criteria 13 December 2019. Collection method: clinical testing. Allele origin: germline.

Illumina Laboratory Services, Illumina
Classification: Likely benign for Left ventricular noncompaction 10. Last evaluated: 2017-04-27. Review status: criteria provided, single submitter. Criteria: ICSL Variant Classification Criteria 13 December 2019. Collection method: clinical testing. Allele origin: germline.
Comment: This variant was observed as part of a predisposition screen in an ostensibly healthy population. A literature search was performed for the gene, cDNA change, and amino acid change (where applicable). No publications were found based on this search. Allele frequency data from public databases allowed determination this variant is unlikely to cause disease. Therefore, this variant is classified as likely benign.

GeneDx
Classification: Benign. Last evaluated: 2014-04-14. Review status: criteria provided, single submitter. Criteria: GeneDx Variant Classification (06012015). Collection method: clinical testing. Allele origin: germline. Affected: yes.
Comment: This variant is considered likely benign or benign based on one or more of the following criteria: it is a conservative change, it occurs at a poorly conserved position in the protein, it is predicted to be benign by multiple in silico algorithms, and/or has population frequency not consistent with disease.

Clinical Genetics, Academic Medical Center
Classification: Benign. Review status: no assertion criteria provided. Collection method: clinical testing. Allele origin: germline. Affected: yes. Study: VKGL Data-share Consensus. Not counted in ClinVar's aggregate classification.

Diagnostic Laboratory, Department of Genetics, University Medical Center Groningen
Classification: Likely benign for Hypertrophic cardiomyopathy 4. Review status: no assertion criteria provided. Collection method: clinical testing. Allele origin: germline. Affected: yes. Study: VKGL Data-share Consensus. Not counted in ClinVar's aggregate classification.

NM_000256.3(MYBPC3):c.531C>T (p.Arg177=)

Gene: MYBPC3 (myosin binding protein C3; minus strand). Cytogenetic location: 11p11.2.
Variant type: single nucleotide variant.
Coding change: c.531C>T on transcript NM_000256.3 (MANE Select); coding-DNA position 531, C replaced by T.
Protein change: p.Arg177=; no amino-acid change (arginine 177 retained).
Molecular consequence: synonymous variant.
Genome position (GRCh38, 1-based): chr11:47,349,897, G>A on the plus strand (C>T on the coding strand, the complement: MYBPC3 is on the minus strand). VCF-style: chr11-47349897-G-A. GRCh37 (hg19) VCF-style: chr11-47371448-G-A.
Other names: p.R177R:CGC>CGT; p.Arg177=; c.531C>T, p.Arg177= (LRG_386t1).
Identifiers: ClinVar variation 180923 (VCV000180923.35), dbSNP rs368035400, ClinGen allele CA015422.
Genomic context (GRCh38, chr11:47,349,897, plus strand): 5'-CACCCATTTGCCCTTGAACCACTTGACCACAGGCGGCTTCAGGAGGCTGGCGCCGGCCAC[G>A]CGGGCTGAGAAGGTGATGCTGCCACCTGCAAAGGCAGGGGCGACAGGCCCGGCTTGGGGA-3'
Protein context (NP_000247.2, residues 167-187): TVGGSITFSA[Arg177=]VAGASLLKPP